The following is an entry in ClinVar:

ClinVar aggregate classification (germline): Uncertain significance (1 of 4 stars; one submission).

Conditions:
Inborn genetic diseases. Identifiers: MedGen C0950123, MeSH D030342.

Submission:

Ambry Genetics
Classification: Uncertain significance for Inborn genetic diseases. Last evaluated: 2025-06-28. Review status: criteria provided, single submitter. Criteria: Ambry Variant Classification Scheme 2023. Collection method: clinical testing. Allele origin: germline.
Comment: The p.D214E variant (also known as c.642T>G), located in coding exon 2 of the FANCM gene, results from a T to G substitution at nucleotide position 642. The aspartic acid at codon 214 is replaced by glutamic acid, an amino acid with highly similar properties. This amino acid position is conserved. In addition, the in silico prediction for this alteration is inconclusive. Based on the available evidence, the clinical significance of this variant remains unclear.

NM_020937.4(FANCM):c.642T>G (p.Asp214Glu)

Gene: FANCM (FA complementation group M; plus strand). Cytogenetic location: 14q21.2.
Variant type: single nucleotide variant.
Coding change: c.642T>G on transcript NM_020937.4 (MANE Select); coding-DNA position 642, T replaced by G.
Protein change: p.Asp214Glu; replaces aspartic acid 214 with glutamic acid.
Molecular consequence: missense variant.
Genome position (GRCh38, 1-based): chr14:45,137,202, T>G. VCF-style: chr14-45137202-T-G. GRCh37 (hg19) VCF-style: chr14-45606405-T-G.
Other names: c.642T>G, p.Asp214Glu (NM_001308133.2, NM_001308134.2); short protein forms D214E.
Identifiers: ClinVar variation 4254548 (VCV004254548.1).